The following is an entry in ClinVar:

NM_006074.5(TRIM22):c.790T>C (p.Leu264=)

Gene: TRIM22 (tripartite motif containing 22; plus strand). Cytogenetic location: 11p15.4.
Variant type: single nucleotide variant.
Coding change: c.790T>C on transcript NM_006074.5 (MANE Select); coding-DNA position 790, T replaced by C.
Protein change: p.Leu264=; no amino-acid change (leucine 264 retained).
Molecular consequence: synonymous variant.
Genome position (GRCh38, 1-based): chr11:5,708,189, T>C. VCF-style: chr11-5708189-T-C. GRCh37 (hg19) VCF-style: chr11-5729419-T-C.
Other names: p.Leu264=; c.778T>C, p.Leu260= (NM_001199573.2).
Identifiers: ClinVar variation 3387868 (VCV003387868.17).

ClinVar aggregate classification (germline): Benign/Likely benign. Review status: criteria provided, multiple submitters, no conflicts (2 of 4 stars). 4 submissions from 4 submitters: Benign (1); Likely benign (3). Last evaluated 2026-05-01.

gnomAD v4.1: 9,756 of 1,614,056 alleles (0.6%); highest among the groups gnomAD compares: Non-Finnish European, 0.72%; 41 homozygotes.

Submissions (4):

CeGaT Center for Human Genetics Tuebingen
Classification: Likely benign. Last evaluated: 2026-05-01. Review status: criteria provided, single submitter. Criteria: CeGaT Center For Human Genetics Tuebingen Variant Classification Criteria Version 2. Collection method: clinical testing. Allele origin: germline. Affected: yes. Observed: 4 variant alleles.
Comment: TRIM22: BP4, BP7, BS2

Women's Health and Genetics/Laboratory Corporation of America, LabCorp
Classification: Benign. Last evaluated: 2025-06-02. Review status: criteria provided, single submitter. Criteria: LabCorp Variant Classification Summary - May 2015. Collection method: clinical testing. Allele origin: germline.
Comment: Variant summary: TRIM22 c.790T>C results in a synonymous change. Consensus agreement among computation tools predict no significant impact on normal splicing. However, these predictions have yet to be confirmed by functional studies. The variant allele was found at a frequency of 0.0051 in 249528 control chromosomes in the gnomAD database, including 2 homozygotes. The observed variant frequency exceeds the estimated maximal expected allele frequency for a pathogenic variant in TRIM22 causing TRIM22-related inflammatory bowel disease phenotype. To our knowledge, no occurrence of c.790T>C in individuals affected with TRIM22-related inflammatory bowel disease and no experimental evidence demonstrating its impact on protein function have been reported. ClinVar contains an entry for this variant (Variation ID: 3387868). Based on the evidence outlined above, the variant was classified as benign.

Mayo Clinic Laboratories, Mayo Clinic
Classification: Likely benign. Last evaluated: 2025-02-18. Review status: criteria provided, single submitter. Criteria: ACMG Guidelines, 2015. Collection method: clinical testing. Allele origin: germline. Observed: 2 variant alleles.
Comment: BS2, BP4, BP7

Blueprint Genetics
Classification: Likely benign. Last evaluated: 2024-11-25. Review status: criteria provided, single submitter. Criteria: ACMG Guidelines, 2015. Collection method: clinical testing. Allele origin: germline.